The following is an entry in ClinVar:

ClinVar aggregate classification (germline): Uncertain significance (1 of 4 stars; one submission).

Conditions:
Hereditary spastic paraplegia 11. Also called: SPASTIC PARAPLEGIA, AUTOSOMAL RECESSIVE, COMPLICATED, WITH THIN CORPUS CALLOSUM; SPASTIC PARAPLEGIA, AUTOSOMAL RECESSIVE, WITH MENTAL IMPAIRMENT AND THIN CORPUS CALLOSUM; Nakamura Osame syndrome; Autosomal recessive hereditary spastic paraplegia, mental impairment, and thin corpus callosum; Spastic paraplegia, mental retardation and thin corpus callosum; Spastic Paraplegia 11. Identifiers: Orphanet 2822, MedGen C1858479, MONDO:0011445, OMIM 604360.

Allele frequency attached by ClinVar (database versions not stated): gnomAD 0.00001; gnomAD exomes 0.00001 and 0.00002; ExAC 0.00002; TOPMed 0.00002.
gnomAD v4.1: 11 of 1,613,834 alleles (0.00068%); highest among the groups gnomAD compares: Middle Eastern, 0.033%; 1 homozygote.

Submission:

Labcorp Genetics (formerly Invitae), Labcorp
Classification: Uncertain significance for Hereditary spastic paraplegia 11. Last evaluated: 2021-12-02. Review status: criteria provided, single submitter. Criteria: Invitae Variant Classification Sherloc (09022015). Collection method: clinical testing. Allele origin: germline.
Comment: This sequence change replaces methionine, which is neutral and non-polar, with threonine, which is neutral and polar, at codon 2395 of the SPG11 protein (p.Met2395Thr). This variant is present in population databases (rs754598618, gnomAD 0.01%). This variant has not been reported in the literature in individuals affected with SPG11-related conditions. Algorithms developed to predict the effect of missense changes on protein structure and function (SIFT, PolyPhen-2, Align-GVGD) all suggest that this variant is likely to be tolerated. In summary, the available evidence is currently insufficient to determine the role of this variant in disease. Therefore, it has been classified as a Variant of Uncertain Significance.

NM_025137.4(SPG11):c.7184T>C (p.Met2395Thr)

Gene: SPG11 (SPG11 vesicle trafficking associated, spatacsin; minus strand). Cytogenetic location: 15q21.1.
Variant type: single nucleotide variant.
Coding change: c.7184T>C on transcript NM_025137.4 (MANE Select); coding-DNA position 7184, T replaced by C.
Protein change: p.Met2395Thr; replaces methionine 2395 with threonine.
Molecular consequence: missense variant.
Genome position (GRCh38, 1-based): chr15:44,563,269, A>G on the plus strand (T>C on the coding strand, the complement: SPG11 is on the minus strand). VCF-style: chr15-44563269-A-G. GRCh37 (hg19) VCF-style: chr15-44855467-A-G.
Other names: c.6845T>C, p.Met2282Thr (NM_001160227.2); short protein forms M2282T, M2395T.
Identifiers: ClinVar variation 1412305 (VCV001412305.3), dbSNP rs754598618, ClinGen allele CA7533856.
Genomic context (GRCh38, chr15:44,563,269, plus strand): 5'-GCCAACTTGTAATACAGGTAAACATCTTCACAATATGTGAGTAATTTCTTCAGGTTTTCC[A>G]TGACCATGTCAGTAGGCTGATGTTGTTTATATCTAGATAAAGAAACATAATGTACAGGTT-3'
Protein context (NP_079413.3, residues 2385-2405): YKQHQPTDMV[Met2395Thr]ENLKKLLTYC